The following is an entry in ClinVar:

NM_001286577.2(C2CD3):c.6632A>G (p.Asn2211Ser)

Gene: C2CD3 (C2 domain containing 3 centriole elongation regulator; minus strand). Cytogenetic location: 11q13.4.
Variant type: single nucleotide variant.
Coding change: c.6632A>G on transcript NM_001286577.2 (MANE Select); coding-DNA position 6632, A replaced by G.
Protein change: p.Asn2211Ser; replaces asparagine 2211 with serine.
Molecular consequence: missense variant.
Genome position (GRCh38, 1-based): chr11:74,033,528, T>C on the plus strand (A>G on the coding strand, the complement: C2CD3 is on the minus strand). VCF-style: chr11-74033528-T-C. GRCh37 (hg19) VCF-style: chr11-73744573-T-C.
Other names: short protein forms N2211S.
Identifiers: ClinVar variation 2853031 (VCV002853031.3), dbSNP rs2496200660, ClinGen allele CA381819719.

ClinVar aggregate classification (germline): Uncertain significance (1 of 4 stars; one submission).

Submission:

Labcorp Genetics (formerly Invitae), Labcorp
Classification: Uncertain significance. Last evaluated: 2023-06-28. Review status: criteria provided, single submitter. Criteria: Invitae Variant Classification Sherloc (09022015). Collection method: clinical testing. Allele origin: germline.
Comment: In summary, the available evidence is currently insufficient to determine the role of this variant in disease. Therefore, it has been classified as a Variant of Uncertain Significance. Experimental studies and prediction algorithms are not available or were not evaluated, and the functional significance of this variant is currently unknown. This variant has not been reported in the literature in individuals affected with C2CD3-related conditions. This variant is not present in population databases (gnomAD no frequency). This sequence change replaces asparagine, which is neutral and polar, with serine, which is neutral and polar, at codon 2211 of the C2CD3 protein (p.Asn2211Ser). The C2CD3 gene has multiple clinically relevant transcripts. This variant occurs in alternate transcript NM_001286577.1, and corresponds to NM_015531.5:c.*1070A>G in the primary transcript.